The following is an entry in ClinVar:

NM_006059.4(LAMC3):c.1283+9G>A

Gene: LAMC3 (laminin subunit gamma 3; plus strand). Cytogenetic location: 9q34.12.
Variant type: single nucleotide variant.
Coding change: c.1283+9G>A on transcript NM_006059.4 (MANE Select); 9 bases into the intron after coding-DNA position 1283, G replaced by A.
Molecular consequence: intron variant.
Genome position (GRCh38, 1-based): chr9:131,039,257, G>A. VCF-style: chr9-131039257-G-A. GRCh37 (hg19) VCF-style: chr9-133914644-G-A.
Other names: c.1283+9G>A (NM_006059.3).
Identifiers: ClinVar variation 1664549 (VCV001664549.10), dbSNP rs772906678, ClinGen allele CA5287012.

ClinVar aggregate classification (germline): Likely benign. Review status: criteria provided, single submitter (1 of 4 stars). 2 submissions from 2 submitters: Likely benign (1). 1 of the submissions does not count toward it. Last evaluated 2024-05-23.

Conditions:
LAMC3-related disorder. Also called: LAMC3-related condition.

Allele frequency attached by ClinVar (database versions not stated): gnomAD 0.00002; TOPMed 0.00003.
gnomAD v4.1: 61 of 1,598,472 alleles (0.0038%); highest among the groups gnomAD compares: East Asian, 0.0089%; no homozygotes.

Submissions (2):

Labcorp Genetics (formerly Invitae), Labcorp
Classification: Likely benign. Last evaluated: 2024-05-23. Review status: criteria provided, single submitter. Criteria: Invitae Variant Classification Sherloc (09022015). Collection method: clinical testing. Allele origin: germline.

PreventionGenetics, part of Exact Sciences
Classification: Likely benign for LAMC3-related condition. Last evaluated: 2022-05-06. Review status: no assertion criteria provided. Collection method: clinical testing. Allele origin: germline. Not counted in ClinVar's aggregate classification.
Comment: This variant is classified as likely benign based on ACMG/AMP sequence variant interpretation guidelines (Richards et al. 2015 PMID: 25741868, with internal and published modifications).